The following is an entry in ClinVar:

NM_004369.4(COL6A3):c.7310G>A (p.Ser2437Asn)

Gene: COL6A3 (collagen type VI alpha 3 chain; minus strand). Cytogenetic location: 2q37.3.
Variant type: single nucleotide variant.
Coding change: c.7310G>A on transcript NM_004369.4 (MANE Select); coding-DNA position 7310, G replaced by A.
Protein change: p.Ser2437Asn; replaces serine 2437 with asparagine.
Molecular consequence: missense variant.
Genome position (GRCh38, 1-based): chr2:237,344,708, C>T on the plus strand (G>A on the coding strand, the complement: COL6A3 is on the minus strand). VCF-style: chr2-237344708-C-T. GRCh37 (hg19) VCF-style: chr2-238253351-C-T.
Other names: c.5489G>A, p.Ser1830Asn (NM_057166.5); c.6692G>A, p.Ser2231Asn (NM_057167.4); short protein forms S1830N, S2231N, S2437N.
Identifiers: ClinVar variation 2440456 (VCV002440456.6), dbSNP rs2077062854, ClinGen allele CA351203865.
Genomic context (GRCh38, chr2:237,344,708, plus strand): 5'-TCCGTGGTCACCTCGTTGTTGTAGGTGACCACAGCCACCCGGGCCCCCCGTGGGCAGTTG[C>T]TCTCAGCAATGGTCAGGTCATTCACAATACTCAAGACCACATCTCGCATCCGGCCGAAAG-3'
Protein context (NP_004360.2, residues 2427-2447): SIVNDLTIAE[Ser2437Asn]NCPRGARVAV

ClinVar aggregate classification (germline): Uncertain significance. Review status: criteria provided, multiple submitters, no conflicts (2 of 4 stars). 2 submissions from 2 submitters: Uncertain significance (2). Last evaluated 2023-12-18.

Conditions:
Bethlem myopathy 1A. Also called: MYOPATHY, BENIGN CONGENITAL, WITH CONTRACTURES; Bethlem myopathy 1; Bethlem Muscular Dystrophy. Identifiers: Orphanet 610, MedGen CN029274, MONDO:0024530, OMIM 158810.

Allele frequency attached by ClinVar (database versions not stated): gnomAD exomes below 0.00001.

Submissions (2):

Labcorp Genetics (formerly Invitae), Labcorp
Classification: Uncertain significance for Bethlem myopathy 1A. Last evaluated: 2023-12-18. Review status: criteria provided, single submitter. Criteria: Invitae Variant Classification Sherloc (09022015). Collection method: clinical testing. Allele origin: germline.
Comment: This sequence change replaces serine, which is neutral and polar, with asparagine, which is neutral and polar, at codon 2437 of the COL6A3 protein (p.Ser2437Asn). This variant is not present in population databases (gnomAD no frequency). This variant has not been reported in the literature in individuals affected with COL6A3-related conditions. ClinVar contains an entry for this variant (Variation ID: 2440456). Advanced modeling of protein sequence and biophysical properties (such as structural, functional, and spatial information, amino acid conservation, physicochemical variation, residue mobility, and thermodynamic stability) has been performed at Invitae for this missense variant, however the output from this modeling did not meet the statistical confidence thresholds required to predict the impact of this variant on COL6A3 protein function. In summary, the available evidence is currently insufficient to determine the role of this variant in disease. Therefore, it has been classified as a Variant of Uncertain Significance.

Revvity Omics, Revvity
Classification: Uncertain significance. Last evaluated: 2019-07-03. Review status: criteria provided, single submitter. Criteria: ACMG Guidelines, 2015. Collection method: clinical testing. Allele origin: germline.